The following is an entry in ClinVar:

NM_002470.4(MYH3):c.3729+9C>T

Gene: MYH3 (myosin heavy chain 3; minus strand). Cytogenetic location: 17p13.1.
Variant type: single nucleotide variant.
Coding change: c.3729+9C>T on transcript NM_002470.4 (MANE Select); 9 bases into the intron after coding-DNA position 3729, C replaced by T.
Molecular consequence: intron variant.
Genome position (GRCh38, 1-based): chr17:10,638,034, G>A on the plus strand (C>T on the coding strand, the complement: MYH3 is on the minus strand). VCF-style: chr17-10638034-G-A. GRCh37 (hg19) VCF-style: chr17-10541351-G-A.
Identifiers: ClinVar variation 321732 (VCV000321732.20), dbSNP rs201955505, ClinGen allele CA8392443.

ClinVar aggregate classification (germline): Conflicting classifications of pathogenicity. Review status: criteria provided, conflicting classifications (1 of 4 stars). 6 submissions from 5 submitters: Uncertain significance (1); Benign (2); Likely benign (1). 2 of the submissions do not count toward it. Last evaluated 2026-01-27.

Conditions:
Distal arthrogryposis type 2B1 (DA2B1). Also called: Arthrogryposis multiplex congenita distal type II with craniofacial abnormalities. Identifiers: Orphanet 1147, MedGen C5193014, MONDO:0020820, OMIM 601680.
Freeman-Sheldon syndrome (DA2A). Also called: CRANIOCARPOTARSAL DYSPLASIA; CRANIOCARPOTARSAL DYSTROPHY; WHISTLING FACE-WINDMILL VANE HAND SYNDROME; Arthrogryposis, distal, type 2A (Freeman-Sheldon). Identifiers: Orphanet 2053, MedGen C0265224, MONDO:0008675, OMIM 193700.

Allele frequency attached by ClinVar (database versions not stated): 1000 Genomes Project 30x 0.00031; TOPMed 0.00032; gnomAD 0.00035 and 0.00036; 1000 Genomes Project 0.00040; gnomAD exomes 0.00042 and 0.00055; ExAC 0.00050; ESP Exome Variant Server 0.00062.
gnomAD v4.1: 820 of 1,554,932 alleles (0.053%); highest among the groups gnomAD compares: Non-Finnish European, 0.063%; no homozygotes.

Submissions (6):

Labcorp Genetics (formerly Invitae), Labcorp
Classification: Benign. Last evaluated: 2026-01-27. Review status: criteria provided, single submitter. Criteria: Invitae Variant Classification Sherloc (09022015). Collection method: clinical testing. Allele origin: germline.

Blueprint Genetics
Classification: Likely benign. Last evaluated: 2024-11-18. Review status: criteria provided, single submitter. Criteria: ACMG Guidelines, 2015. Collection method: clinical testing. Allele origin: germline.

Illumina Laboratory Services, Illumina
Classification: Uncertain significance for Distal arthrogryposis type 2B1. Last evaluated: 2018-01-12. Review status: criteria provided, single submitter. Criteria: ICSL Variant Classification Criteria 13 December 2019. Collection method: clinical testing. Allele origin: germline.

Illumina Laboratory Services, Illumina
Classification: Benign for Freeman-Sheldon syndrome. Last evaluated: 2018-01-12. Review status: criteria provided, single submitter. Criteria: ICSL Variant Classification Criteria 13 December 2019. Collection method: clinical testing. Allele origin: germline.
Comment: This variant was observed in the ICSL laboratory as part of a predisposition screen in an ostensibly healthy population. It had not been previously curated by ICSL or reported in the Human Gene Mutation Database (HGMD: prior to June 1st, 2018), and was therefore a candidate for classification through an automated scoring system. Utilizing variant allele frequency, disease prevalence and penetrance estimates, and inheritance mode, an automated score was calculated to assess if this variant is too frequent to cause the disease. Based on the score and internal cut-off values, a variant classified as benign is not then subjected to further curation. The score for this variant resulted in a classification of benign for this disease.

Clinical Genetics DNA and cytogenetics Diagnostics Lab, Erasmus MC, Erasmus Medical Center
Classification: Likely benign. Review status: no assertion criteria provided. Collection method: clinical testing. Allele origin: germline. Affected: yes. Study: VKGL Data-share Consensus. Not counted in ClinVar's aggregate classification.

Genome Diagnostics Laboratory, University Medical Center Utrecht
Classification: Likely benign. Review status: no assertion criteria provided. Collection method: clinical testing. Allele origin: germline. Affected: yes. Study: VKGL Data-share Consensus. Not counted in ClinVar's aggregate classification.